The following is an entry in ClinVar:

NM_053025.4(MYLK):c.2521G>A (p.Gly841Ser)

Gene: MYLK (myosin light chain kinase; minus strand). Cytogenetic location: 3q21.1.
Variant type: single nucleotide variant.
Coding change: c.2521G>A on transcript NM_053025.4 (MANE Select); coding-DNA position 2521, G replaced by A.
Protein change: p.Gly841Ser; replaces glycine 841 with serine.
Molecular consequence: missense variant.
Genome position (GRCh38, 1-based): chr3:123,700,947, C>T on the plus strand (G>A on the coding strand, the complement: MYLK is on the minus strand). VCF-style: chr3-123700947-C-T. GRCh37 (hg19) VCF-style: chr3-123419794-C-T.
Other names: c.1993G>A, p.Gly665Ser (NM_001321309.2); c.2314G>A, p.Gly772Ser (NM_053026.4, NM_053028.4); c.2521G>A, p.Gly841Ser (NM_053027.4); short protein forms G772S, G841S, G665S.
Identifiers: ClinVar variation 2567259 (VCV002567259.2), dbSNP rs1439007594, ClinGen allele CA354232468.

ClinVar aggregate classification (germline): Uncertain significance (1 of 4 stars; one submission).

Conditions:
Familial thoracic aortic aneurysm and aortic dissection (TAAD). Also called: Thoracic aortic aneurysms and dissections. Identifiers: Orphanet 91387, MedGen C4707243, MONDO:0019625.

Submission:

Ambry Genetics
Classification: Uncertain significance for Familial thoracic aortic aneurysm and aortic dissection. Last evaluated: 2023-06-03. Review status: criteria provided, single submitter. Criteria: Ambry Variant Classification Scheme 2023. Collection method: clinical testing. Allele origin: germline.
Comment: The p.G841S variant (also known as c.2521G>A), located in coding exon 15 of the MYLK gene, results from a G to A substitution at nucleotide position 2521. The glycine at codon 841 is replaced by serine, an amino acid with similar properties. This amino acid position is conserved. In addition, this alteration is predicted to be tolerated by in silico analysis. Since supporting evidence is limited at this time, the clinical significance of this alteration remains unclear.